The following is an entry in ClinVar:

ClinVar aggregate classification (germline): Uncertain significance (1 of 4 stars; one submission).

gnomAD v4.1: 3 of 1,055,741 alleles (0.00028%); highest among the groups gnomAD compares: Non-Finnish European, 0.00036%; no homozygotes.

Submission:

Labcorp Genetics (formerly Invitae), Labcorp
Classification: Uncertain significance. Last evaluated: 2024-06-06. Review status: criteria provided, single submitter. Criteria: Invitae Variant Classification Sherloc (09022015). Collection method: clinical testing. Allele origin: germline.
Comment: This sequence change replaces serine, which is neutral and polar, with cysteine, which is neutral and slightly polar, at codon 250 of the SOX3 protein (p.Ser250Cys). This variant is not present in population databases (gnomAD no frequency). This variant has not been reported in the literature in individuals affected with SOX3-related conditions. Advanced modeling of protein sequence and biophysical properties (such as structural, functional, and spatial information, amino acid conservation, physicochemical variation, residue mobility, and thermodynamic stability) performed at Invitae indicates that this missense variant is not expected to disrupt SOX3 protein function with a negative predictive value of 80%. In summary, the available evidence is currently insufficient to determine the role of this variant in disease. Therefore, it has been classified as a Variant of Uncertain Significance.

NM_005634.3(SOX3):c.748A>T (p.Ser250Cys)

Gene: SOX3 (SRY-box transcription factor 3; minus strand). Cytogenetic location: Xq27.1.
Variant type: single nucleotide variant.
Coding change: c.748A>T on transcript NM_005634.3 (MANE Select); coding-DNA position 748, A replaced by T.
Protein change: p.Ser250Cys; replaces serine 250 with cysteine.
Molecular consequence: missense variant.
Genome position (GRCh38, 1-based): chrX:140,504,313, T>A on the plus strand (A>T on the coding strand, the complement: SOX3 is on the minus strand). VCF-style: chrX-140504313-T-A. GRCh37 (hg19) VCF-style: chrX-139586478-T-A.
Other names: short protein forms S250C.
Identifiers: ClinVar variation 3720358 (VCV003720358.2).